The following is an entry in ClinVar:

ClinVar aggregate classification (germline): Likely benign. Review status: criteria provided, multiple submitters, no conflicts (2 of 4 stars). 4 submissions from 4 submitters: Likely benign (4). Last evaluated 2025-11-13.

Allele frequency attached by ClinVar (database versions not stated): ExAC 0.00019; gnomAD exomes 0.00022 and 0.00052; gnomAD 0.00023 and 0.00024; TOPMed 0.00026; ESP Exome Variant Server 0.00032.
gnomAD v4.1: 787 of 1,612,886 alleles (0.049%); highest among the groups gnomAD compares: Non-Finnish European, 0.063%; no homozygotes.

Submissions (4):

Labcorp Genetics (formerly Invitae), Labcorp
Classification: Likely benign. Last evaluated: 2025-11-13. Review status: criteria provided, single submitter. Criteria: Invitae Variant Classification Sherloc (09022015). Collection method: clinical testing. Allele origin: germline.

Women's Health and Genetics/Laboratory Corporation of America, LabCorp
Classification: Likely benign. Last evaluated: 2025-05-03. Review status: criteria provided, single submitter. Criteria: LabCorp Variant Classification Summary - May 2015. Collection method: clinical testing. Allele origin: germline.

CeGaT Center for Human Genetics Tuebingen
Classification: Likely benign. Last evaluated: 2022-07-01. Review status: criteria provided, single submitter. Criteria: CeGaT Center For Human Genetics Tuebingen Variant Classification Criteria Version 2. Collection method: clinical testing. Allele origin: germline. Affected: yes. Observed: 1 variant allele.
Comment: SBF1: BP4, BP7

GeneDx
Classification: Likely benign. Last evaluated: 2020-06-29. Review status: criteria provided, single submitter. Criteria: GeneDx Variant Classification Process June 2021. Collection method: clinical testing. Allele origin: germline. Affected: yes.

NM_002972.4(SBF1):c.4539G>C (p.Leu1513=)

Gene: SBF1 (SET binding factor 1; minus strand). Cytogenetic location: 22q13.33.
Variant type: single nucleotide variant.
Coding change: c.4539G>C on transcript NM_002972.4 (MANE Select); coding-DNA position 4539, G replaced by C.
Protein change: p.Leu1513=; no amino-acid change (leucine 1513 retained).
Molecular consequence: synonymous variant.
Genome position (GRCh38, 1-based): chr22:50,455,239, C>G on the plus strand (G>C on the coding strand, the complement: SBF1 is on the minus strand). VCF-style: chr22-50455239-C-G. GRCh37 (hg19) VCF-style: chr22-50893668-C-G.
Other names: c.4464G>C, p.Leu1488= (NM_001365819.1).
Identifiers: ClinVar variation 738364 (VCV000738364.35), dbSNP rs374064130, ClinGen allele CA10316231.
Genomic context (GRCh38, chr22:50,455,239, plus strand): 5'-GTCAGGGTGCACAGTCCCGGCCCACCCACACAGCGGCCTGCCCACCTGGTGTACGCAGTC[C>G]AGGAACTGCAGGAAGACGGGTGTGAAGCCGCTGCTCTGCCCGGCCAGGGTGTGAGCTCCA-3'
Protein context (NP_002963.2, residues 1503-1523): SGFTPVFLQF[Leu1513=]DCVHQVHLQF